The following is an entry in ClinVar:

ClinVar aggregate classification (germline): Pathogenic (1 of 4 stars; one submission).

Submission:

Labcorp Genetics (formerly Invitae), Labcorp
Classification: Pathogenic. Last evaluated: 2022-04-13. Review status: criteria provided, single submitter. Criteria: Invitae Variant Classification Sherloc (09022015). Collection method: clinical testing. Allele origin: germline.
Comment: For these reasons, this variant has been classified as Pathogenic. This variant has not been reported in the literature in individuals affected with CYP27B1-related conditions. This variant is not present in population databases (gnomAD no frequency). This sequence change creates a premature translational stop signal (p.Gly156*) in the CYP27B1 gene. It is expected to result in an absent or disrupted protein product. Loss-of-function variants in CYP27B1 are known to be pathogenic (PMID: 9837822, 17488797).

Literature cited by the submitters: PubMed 9837822; PubMed 17488797.

NM_000785.4(CYP27B1):c.466G>T (p.Gly156Ter)

Gene: CYP27B1 (cytochrome P450 family 27 subfamily B member 1; minus strand). Cytogenetic location: 12q14.1.
Variant type: single nucleotide variant.
Coding change: c.466G>T on transcript NM_000785.4 (MANE Select); coding-DNA position 466, G replaced by T.
Protein change: p.Gly156Ter; replaces glycine 156 with a stop codon.
Molecular consequence: nonsense.
Genome position (GRCh38, 1-based): chr12:57,765,420, C>A on the plus strand (G>T on the coding strand, the complement: CYP27B1 is on the minus strand). VCF-style: chr12-57765420-C-A. GRCh37 (hg19) VCF-style: chr12-58159203-C-A.
Other names: short protein forms G156*.
Identifiers: ClinVar variation 2116270 (VCV002116270.4), dbSNP rs765846783, ClinGen allele CA385506706.